The following is an entry in ClinVar:

NM_001447.3(FAT2):c.1010G>A (p.Ser337Asn)

Gene: FAT2 (FAT atypical cadherin 2; minus strand). Cytogenetic location: 5q33.1.
Variant type: single nucleotide variant.
Coding change: c.1010G>A on transcript NM_001447.3 (MANE Select); coding-DNA position 1010, G replaced by A.
Protein change: p.Ser337Asn; replaces serine 337 with asparagine.
Molecular consequence: missense variant.
Genome position (GRCh38, 1-based): chr5:151,567,922, C>T on the plus strand (G>A on the coding strand, the complement: FAT2 is on the minus strand). VCF-style: chr5-151567922-C-T. GRCh37 (hg19) VCF-style: chr5-150947483-C-T.
Other names: short protein forms S337N.
Identifiers: ClinVar variation 3621280 (VCV003621280.2).

ClinVar aggregate classification (germline): Uncertain significance (1 of 4 stars; one submission).

gnomAD v4.1: 6 of 1,614,168 alleles (0.00037%); highest among the groups gnomAD compares: Middle Eastern, 0.016%; no homozygotes.

Submission:

Labcorp Genetics (formerly Invitae), Labcorp
Classification: Uncertain significance. Last evaluated: 2025-06-19. Review status: criteria provided, single submitter. Criteria: Invitae Variant Classification Sherloc (09022015). Collection method: clinical testing. Allele origin: germline.
Comment: This sequence change replaces serine, which is neutral and polar, with asparagine, which is neutral and polar, at codon 337 of the FAT2 protein (p.Ser337Asn). This variant is present in population databases (rs777716106, gnomAD 0.003%). This variant has not been reported in the literature in individuals affected with FAT2-related conditions. ClinVar contains an entry for this variant (Variation ID: 3621280). An algorithm developed to predict the effect of missense changes on protein structure and function (PolyPhen-2) suggests that this variant is likely to be tolerated. In summary, the available evidence is currently insufficient to determine the role of this variant in disease. Therefore, it has been classified as a Variant of Uncertain Significance.